The following is an entry in ClinVar:

NM_015046.7(SETX):c.4547A>G (p.Asn1516Ser)

Gene: SETX (senataxin; minus strand). Cytogenetic location: 9q34.13.
Variant type: single nucleotide variant.
Coding change: c.4547A>G on transcript NM_015046.7 (MANE Select); coding-DNA position 4547, A replaced by G.
Protein change: p.Asn1516Ser; replaces asparagine 1516 with serine.
Molecular consequence: missense variant.
Genome position (GRCh38, 1-based): chr9:132,327,051, T>C on the plus strand (A>G on the coding strand, the complement: SETX is on the minus strand). VCF-style: chr9-132327051-T-C. GRCh37 (hg19) VCF-style: chr9-135202438-T-C.
Other names: c.4547A>G, p.Asn1516Ser (NM_001351527.2, NM_001351528.2); short protein forms N1516S.
Identifiers: ClinVar variation 2155073 (VCV002155073.4), dbSNP rs1846840786, ClinGen allele CA375325819.

ClinVar aggregate classification (germline): Uncertain significance (1 of 4 stars; one submission).

Conditions:
Amyotrophic lateral sclerosis type 4 (ALS4). Also called: AMYOTROPHIC LATERAL SCLEROSIS 4, JUVENILE; NEURONOPATHY, DISTAL HEREDITARY MOTOR, WITH PYRAMIDAL FEATURES. Identifiers: Orphanet 357043, MedGen C1865409, MONDO:0011223, OMIM 602433.
Spinocerebellar ataxia, autosomal recessive, with axonal neuropathy 2 (SCAN2). Also called: ATAXIA-OCULOMOTOR APRAXIA 2; Ataxia-ocular apraxia-2; Ataxia with Oculomotor Apraxia; Ataxia with Oculomotor Apraxia Type 2. Identifiers: Orphanet 64753, MedGen C1853761, MONDO:0018996, OMIM 606002.

Allele frequency attached by ClinVar (database versions not stated): gnomAD exomes below 0.00001.
gnomAD v4.1: 3 of 1,614,208 alleles (0.00019%); highest among the groups gnomAD compares: East Asian, 0.0022%; no homozygotes.

Submission:

Labcorp Genetics (formerly Invitae), Labcorp
Classification: Uncertain significance for Amyotrophic lateral sclerosis type 4; Spinocerebellar ataxia, autosomal recessive, with axonal neuropathy 2. Last evaluated: 2023-10-27. Review status: criteria provided, single submitter. Criteria: Invitae Variant Classification Sherloc (09022015). Collection method: clinical testing. Allele origin: germline.
Comment: This sequence change replaces asparagine, which is neutral and polar, with serine, which is neutral and polar, at codon 1516 of the SETX protein (p.Asn1516Ser). This variant is not present in population databases (gnomAD no frequency). This variant has not been reported in the literature in individuals affected with SETX-related conditions. ClinVar contains an entry for this variant (Variation ID: 2155073). Advanced modeling of protein sequence and biophysical properties (such as structural, functional, and spatial information, amino acid conservation, physicochemical variation, residue mobility, and thermodynamic stability) performed at Invitae indicates that this missense variant is not expected to disrupt SETX protein function with a negative predictive value of 95%. In summary, the available evidence is currently insufficient to determine the role of this variant in disease. Therefore, it has been classified as a Variant of Uncertain Significance.